The following is an entry in ClinVar:

ClinVar aggregate classification (germline): Conflicting classifications of pathogenicity. Review status: criteria provided, conflicting classifications (1 of 4 stars). 5 submissions from 5 submitters: Uncertain significance (1); Likely benign (3). 1 of the submissions does not count toward it. Last evaluated 2026-01-15.

Conditions:
LRP4-related disorder. Also called: LRP4-related condition.
Sclerosteosis 2 (SOST2). Identifiers: Orphanet 3152, MedGen C3280402, MONDO:0013679, OMIM 614305.
Cenani-Lenz syndactyly syndrome. Also called: SYNDACTYLY, TYPE VII; CENANI SYNDACTYLISM. Identifiers: Orphanet 3258, MedGen C1859309, MONDO:0008931, OMIM 212780.
Congenital myasthenic syndrome 17. Identifiers: Orphanet 590, MedGen C4225377, MONDO:0014578, OMIM 616304.

Allele frequency attached by ClinVar (database versions not stated): gnomAD 0.00075 and 0.00076; gnomAD exomes 0.00110 and 0.00115; ExAC 0.00151; ESP Exome Variant Server 0.00154; 1000 Genomes Project 30x 0.00016; 1000 Genomes Project 0.00020; TOPMed 0.00065.
gnomAD v4.1: 1,709 of 1,614,120 alleles (0.11%); highest among the groups gnomAD compares: Non-Finnish European, 0.13%; 2 homozygotes.

Submissions (5):

Labcorp Genetics (formerly Invitae), Labcorp
Classification: Likely benign for Cenani-Lenz syndactyly syndrome; Sclerosteosis 2; Congenital myasthenic syndrome 17. Last evaluated: 2026-01-15. Review status: criteria provided, single submitter. Criteria: Invitae Variant Classification Sherloc (09022015). Collection method: clinical testing. Allele origin: germline.

Blueprint Genetics
Classification: Likely benign. Last evaluated: 2024-10-11. Review status: criteria provided, single submitter. Criteria: ACMG Guidelines, 2015. Collection method: clinical testing. Allele origin: germline.

CeGaT Center for Human Genetics Tuebingen
Classification: Likely benign. Last evaluated: 2024-10-01. Review status: criteria provided, single submitter. Criteria: CeGaT Center For Human Genetics Tuebingen Variant Classification Criteria Version 2. Collection method: clinical testing. Allele origin: germline. Affected: yes. Observed: 1 variant allele.
Comment: LRP4: BP4, BP7

Illumina Laboratory Services, Illumina
Classification: Uncertain significance for Cenani-Lenz syndactyly syndrome. Last evaluated: 2018-01-13. Review status: criteria provided, single submitter. Criteria: ICSL Variant Classification Criteria 13 December 2019. Collection method: clinical testing. Allele origin: germline.

PreventionGenetics, part of Exact Sciences
Classification: Likely benign for LRP4-related condition. Last evaluated: 2019-09-20. Review status: no assertion criteria provided. Collection method: clinical testing. Allele origin: germline. Not counted in ClinVar's aggregate classification.
Comment: This variant is classified as likely benign based on ACMG/AMP sequence variant interpretation guidelines (Richards et al. 2015 PMID: 25741868, with internal and published modifications).

NM_002334.4(LRP4):c.5520T>C (p.His1840=)

Genes: LRP4-AS1 (LRP4 antisense RNA 1; plus strand), LRP4 (LDL receptor related protein 4; minus strand). Cytogenetic location: 11p11.2.
Variant type: single nucleotide variant.
Coding change: c.5520T>C on transcript NM_002334.4 (MANE Select); coding-DNA position 5520, T replaced by C.
Protein change: p.His1840=; no amino-acid change (histidine 1840 retained).
Molecular consequence: synonymous variant.
Genome position (GRCh38, 1-based): chr11:46,859,181, A>G on the plus strand (T>C on the coding strand, the complement: LRP4 is on the minus strand). VCF-style: chr11-46859181-A-G. GRCh37 (hg19) VCF-style: chr11-46880732-A-G.
Identifiers: ClinVar variation 304846 (VCV000304846.32), dbSNP rs144350829, ClinGen allele CA5968996.